The following is an entry in ClinVar:

NM_000090.4(COL3A1):c.2229+6G>A

Gene: COL3A1 (collagen type III alpha 1 chain; plus strand). Cytogenetic location: 2q32.2.
Variant type: single nucleotide variant.
Coding change: c.2229+6G>A on transcript NM_000090.4 (MANE Select); 6 bases into the intron after coding-DNA position 2229, G replaced by A.
Molecular consequence: intron variant.
Genome position (GRCh38, 1-based): chr2:188,999,583, G>A. VCF-style: chr2-188999583-G-A. GRCh37 (hg19) VCF-style: chr2-189864309-G-A.
Identifiers: ClinVar variation 922252 (VCV000922252.7), dbSNP rs10186160, ClinGen allele CA075099.

ClinVar aggregate classification (germline): Conflicting classifications of pathogenicity. Review status: criteria provided, conflicting classifications (1 of 4 stars). 3 submissions from 3 submitters: Uncertain significance (1); Likely benign (2). Last evaluated 2025-12-17.

Conditions:
Familial thoracic aortic aneurysm and aortic dissection (TAAD). Also called: Thoracic aortic aneurysms and dissections. Identifiers: Orphanet 91387, MedGen C4707243, MONDO:0019625.
Ehlers-Danlos syndrome, type 4 (EDSVASC). Also called: Ehlers-Danlos Syndrome Type IV; Ehlers-Danlos syndrome vascular type; Ehlers Danlos syndrome, ecchymotic type; Ehlers Danlos syndrome, arterial type; Ehlers Danlos syndrome, Sack-Barabas type. Identifiers: Orphanet 286, MedGen C0268338, MONDO:0017314, OMIM 130050.

Allele frequency attached by ClinVar (database versions not stated): gnomAD exomes 0.00001 and 0.00003; ExAC 0.00002; TOPMed 0.00012; gnomAD 0.00014 and 0.00015; ESP Exome Variant Server 0.00015.
gnomAD v4.1: 28 of 1,611,442 alleles (0.0017%); highest among the groups gnomAD compares: African/African-American, 0.036%; no homozygotes.

Submissions (3):

Labcorp Genetics (formerly Invitae), Labcorp
Classification: Uncertain significance for Ehlers-Danlos syndrome, type 4. Last evaluated: 2025-12-17. Review status: criteria provided, single submitter. Criteria: Invitae Variant Classification Sherloc (09022015). Collection method: clinical testing. Allele origin: germline.
Comment: This sequence change falls in intron 31 of the COL3A1 gene. It does not directly change the encoded amino acid sequence of the COL3A1 protein. It affects a nucleotide within the consensus splice site. This variant is present in population databases (rs10186160, gnomAD 0.03%). This variant has not been reported in the literature in individuals affected with COL3A1-related conditions. ClinVar contains an entry for this variant (Variation ID: 922252). Variants that disrupt the consensus splice site are a relatively common cause of aberrant splicing (PMID: 17576681, 9536098). Algorithms developed to predict the effect of sequence changes on RNA splicing suggest that this variant is not likely to affect RNA splicing. In summary, the available evidence is currently insufficient to determine the role of this variant in disease. Therefore, it has been classified as a Variant of Uncertain Significance.

All of Us Research Program, National Institutes of Health
Classification: Likely benign for Ehlers-Danlos syndrome, type 4. Last evaluated: 2023-12-18. Review status: criteria provided, single submitter. Criteria: ACMG Guidelines, 2015. Collection method: clinical testing. Allele origin: germline. Inheritance: Autosomal dominant inheritance. Observed: 6 variant alleles, 6 heterozygotes.
Comment: This study involves interpretation of variants in research participants for the purpose of population health screening. Participant phenotype was not available at the time of variant classification. Additional details can be found in publication PMID: 35346344, PMCID: PMC8962531

Color Diagnostics, LLC DBA Color Health
Classification: Likely benign for Familial thoracic aortic aneurysm and aortic dissection. Last evaluated: 2019-09-30. Review status: criteria provided, single submitter. Criteria: ACMG Guidelines, 2015. Collection method: clinical testing. Allele origin: germline.

Literature cited by the submitters: PubMed 17576681 (cited by Labcorp Genetics (formerly Invitae), Labcorp); PubMed 9536098 (cited by Labcorp Genetics (formerly Invitae), Labcorp).